The following is an entry in ClinVar:

ClinVar aggregate classification (germline): Uncertain significance (1 of 4 stars; one submission).

Submission:

Labcorp Genetics (formerly Invitae), Labcorp
Classification: Uncertain significance. Last evaluated: 2025-02-12. Review status: criteria provided, single submitter. Criteria: Invitae Variant Classification Sherloc (09022015). Collection method: clinical testing. Allele origin: germline.
Comment: This sequence change replaces serine, which is neutral and polar, with threonine, which is neutral and polar, at codon 235 of the A2ML1 protein (p.Ser235Thr). This variant is not present in population databases (gnomAD no frequency). This variant has not been reported in the literature in individuals affected with A2ML1-related conditions. An algorithm developed to predict the effect of missense changes on protein structure and function outputs the following: PolyPhen-2: "Benign". The threonine amino acid residue is found in multiple mammalian species, which suggests that this missense change does not adversely affect protein function. In summary, the available evidence is currently insufficient to determine the role of this variant in disease. Therefore, it has been classified as a Variant of Uncertain Significance.

NM_144670.6(A2ML1):c.703T>A (p.Ser235Thr)

Gene: A2ML1 (alpha-2-macroglobulin like 1; plus strand). Cytogenetic location: 12p13.31.
Variant type: single nucleotide variant.
Coding change: c.703T>A on transcript NM_144670.6 (MANE Select); coding-DNA position 703, T replaced by A.
Protein change: p.Ser235Thr; replaces serine 235 with threonine.
Molecular consequence: missense variant.
Genome position (GRCh38, 1-based): chr12:8,836,314, T>A. VCF-style: chr12-8836314-T-A. GRCh37 (hg19) VCF-style: chr12-8988910-T-A.
Other names: short protein forms S235T.
Identifiers: ClinVar variation 4737463 (VCV004737463.1).